The following is an entry in ClinVar:

ClinVar aggregate classification (germline): Uncertain significance (1 of 4 stars; one submission).

Conditions:
ARID1A-related disorder. Also called: ARID1A-related condition.

Submission:

PreventionGenetics, part of Exact Sciences
Classification: Uncertain significance for ARID1A-related condition. Last evaluated: 2022-09-08. Review status: criteria provided, single submitter. Criteria: ACMG Guidelines, 2015. Collection method: clinical testing. Allele origin: germline.
Comment: The ARID1A c.5668G>C variant is predicted to result in the amino acid substitution p.Gly1890Arg. To our knowledge, this variant has not been reported in the literature or in a large population database, indicating this variant is rare. At this time, the clinical significance of this variant is uncertain due to the absence of conclusive functional and genetic evidence.

NM_006015.6(ARID1A):c.5668G>C (p.Gly1890Arg)

Gene: ARID1A (AT-rich interaction domain 1A; plus strand). Cytogenetic location: 1p36.11.
Variant type: single nucleotide variant.
Coding change: c.5668G>C on transcript NM_006015.6 (MANE Select); coding-DNA position 5668, G replaced by C.
Protein change: p.Gly1890Arg; replaces glycine 1890 with arginine.
Molecular consequence: missense variant.
Genome position (GRCh38, 1-based): chr1:26,779,566, G>C. VCF-style: chr1-26779566-G-C. GRCh37 (hg19) VCF-style: chr1-27106057-G-C.
Other names: c.5017G>C, p.Gly1673Arg (NM_139135.4); short protein forms G1673R, G1890R.
Identifiers: ClinVar variation 2637280 (VCV002637280.1), dbSNP rs2124141588, ClinGen allele CA339186338.